The following is an entry in ClinVar:

ClinVar aggregate classification (germline): Likely benign. Review status: criteria provided, single submitter (1 of 4 stars). 2 submissions from 2 submitters: Likely benign (1). 1 of the submissions does not count toward it. Last evaluated 2025-08-31.

Conditions:
KCNC1-related disorder. Also called: KCNC1-related condition; KCNC1-Related Disorders. Identifiers: MedGen CN381541.
Progressive myoclonic epilepsy type 7. Identifiers: Orphanet 435438, MedGen C4015420, MONDO:0014521, OMIM 616187.

Allele frequency attached by ClinVar (database versions not stated): gnomAD 0.00001; gnomAD exomes 0.00001.
gnomAD v4.1: 13 of 1,614,072 alleles (0.00081%); highest among the groups gnomAD compares: South Asian, 0.0033%; no homozygotes.

Submissions (2):

Labcorp Genetics (formerly Invitae), Labcorp
Classification: Likely benign for Progressive myoclonic epilepsy type 7. Last evaluated: 2025-08-31. Review status: criteria provided, single submitter. Criteria: Invitae Variant Classification Sherloc (09022015). Collection method: clinical testing. Allele origin: germline.

PreventionGenetics, part of Exact Sciences
Classification: Likely benign for KCNC1-related condition. Last evaluated: 2019-05-14. Review status: no assertion criteria provided. Collection method: clinical testing. Allele origin: germline. Not counted in ClinVar's aggregate classification.
Comment: This variant is classified as likely benign based on ACMG/AMP sequence variant interpretation guidelines (Richards et al. 2015 PMID: 25741868, with internal and published modifications).

NM_001112741.2(KCNC1):c.1230G>A (p.Thr410=)

Gene: KCNC1 (potassium voltage-gated channel subfamily C member 1; plus strand). Cytogenetic location: 11p15.1.
Variant type: single nucleotide variant.
Coding change: c.1230G>A on transcript NM_001112741.2 (MANE Select); coding-DNA position 1230, G replaced by A.
Protein change: p.Thr410=; no amino-acid change (threonine 410 retained).
Molecular consequence: synonymous variant.
Genome position (GRCh38, 1-based): chr11:17,772,324, G>A. VCF-style: chr11-17772324-G-A. GRCh37 (hg19) VCF-style: chr11-17793871-G-A.
Other names: c.1230G>A (NM_001112741.1); c.1230G>A, p.Thr410= (NM_004976.4).
Identifiers: ClinVar variation 2713543 (VCV002713543.5), dbSNP rs1295549018, ClinGen allele CA473519932.
Genomic context (GRCh38, chr11:17,772,324, plus strand): 5'-CTTCTGGTGGGCCGTGGTCACCATGACGACCCTGGGCTATGGAGACATGTACCCGCAGAC[G>A]TGGTCCGGCATGCTGGTGGGGGCTCTGTGTGCGCTGGCGGGCGTGCTCACCATCGCCATG-3'
Protein context (NP_001106212.1, residues 400-420): TLGYGDMYPQ[Thr410=]WSGMLVGALC